The following is an entry in ClinVar:

ClinVar aggregate classification (germline): Uncertain significance (1 of 4 stars; one submission).

Conditions:
Bethlem myopathy 1A. Also called: MYOPATHY, BENIGN CONGENITAL, WITH CONTRACTURES; Bethlem myopathy 1; Bethlem Muscular Dystrophy. Identifiers: Orphanet 610, MedGen CN029274, MONDO:0024530, OMIM 158810.

gnomAD v4.1: 1 of 1,600,590 alleles (0.000062%); highest among the groups gnomAD compares: Non-Finnish European, 0.000085%; no homozygotes.

Submission:

Labcorp Genetics (formerly Invitae), Labcorp
Classification: Uncertain significance for Bethlem myopathy 1A. Last evaluated: 2022-03-19. Review status: criteria provided, single submitter. Criteria: Invitae Variant Classification Sherloc (09022015). Collection method: clinical testing. Allele origin: germline.
Comment: This sequence change replaces glutamine, which is neutral and polar, with leucine, which is neutral and non-polar, at codon 977 of the COL6A1 protein (p.Gln977Leu). This variant is not present in population databases (gnomAD no frequency). In summary, the available evidence is currently insufficient to determine the role of this variant in disease. Therefore, it has been classified as a Variant of Uncertain Significance. Advanced modeling of protein sequence and biophysical properties (such as structural, functional, and spatial information, amino acid conservation, physicochemical variation, residue mobility, and thermodynamic stability) performed at Invitae indicates that this missense variant is not expected to disrupt COL6A1 protein function. This variant has not been reported in the literature in individuals affected with COL6A1-related conditions.

NM_001848.3(COL6A1):c.2930A>T (p.Gln977Leu)

Gene: COL6A1 (collagen type VI alpha 1 chain; plus strand). Cytogenetic location: 21q22.3.
Variant type: single nucleotide variant.
Coding change: c.2930A>T on transcript NM_001848.3 (MANE Select); coding-DNA position 2930, A replaced by T.
Protein change: p.Gln977Leu; replaces glutamine 977 with leucine.
Molecular consequence: missense variant.
Genome position (GRCh38, 1-based): chr21:46,003,856, A>T. VCF-style: chr21-46003856-A-T. GRCh37 (hg19) VCF-style: chr21-47423770-A-T.
Other names: short protein forms Q977L.
Identifiers: ClinVar variation 2114196 (VCV002114196.4), dbSNP rs1320842202, ClinGen allele CA410541495.
Genomic context (GRCh38, chr21:46,003,856, plus strand): 5'-AGGCCGTGCAGGAAGCCCAGCGGGCAGGCATCGAGATCTTCGTGGTGGTCGTGGGCCGCC[A>T]GGTGAATGAGCCCCACATCCGCGTCCTGGTCACCGGCAAGACGGCCGAGTACGACGTGGC-3'
Protein context (NP_001839.2, residues 967-987): IEIFVVVVGR[Gln977Leu]VNEPHIRVLV